The following is an entry in ClinVar:

ClinVar aggregate classification (germline): Likely benign. Review status: criteria provided, multiple submitters, no conflicts (2 of 4 stars). 2 submissions from 2 submitters: Likely benign (2). Last evaluated 2025-02-27.

Conditions:
Multiple endocrine neoplasia, type 2 (MEN2). Identifiers: Orphanet 653, MedGen C4048306, MONDO:0019003. Disease mechanism: gain of function.
Multiple endocrine neoplasia type 2A. Also called: Multiple Endocrine Neoplasia Type 2A (MEN2A); MULTIPLE ENDOCRINE NEOPLASIA, TYPE IIA; PTC SYNDROME; SIPPLE SYNDROME; MEN 2A; MEN-2A syndrome. Identifiers: Orphanet 247698, Orphanet 653, MedGen C0025268, MeSH D018813, MONDO:0008234, OMIM 171400.

Allele frequency attached by ClinVar (database versions not stated): ExAC 0.00001.

Submissions (2):

Myriad Genetics, Inc.
Classification: Likely benign for Multiple endocrine neoplasia type 2A. Last evaluated: 2025-02-27. Review status: criteria provided, single submitter. Criteria: Myriad Autosomal Dominant, Autosomal Recessive and X-Linked Classification Criteria (2023). Collection method: clinical testing. Allele origin: unknown.
Comment: This variant is considered likely benign. This variant is intronic and is not expected to impact mRNA splicing.

Labcorp Genetics (formerly Invitae), Labcorp
Classification: Likely benign for Multiple endocrine neoplasia, type 2. Last evaluated: 2024-12-31. Review status: criteria provided, single submitter. Criteria: Invitae Variant Classification Sherloc (09022015). Collection method: clinical testing. Allele origin: germline.

NM_020975.6(RET):c.2608-19G>A

Gene: RET (ret proto-oncogene; plus strand). Cytogenetic location: 10q11.21.
Variant type: single nucleotide variant.
Coding change: c.2608-19G>A on transcript NM_020975.6 (MANE Select); 19 bases into the intron before coding-DNA position 2608, G replaced by A.
Molecular consequence: intron variant.
Genome position (GRCh38, 1-based): chr10:43,120,062, G>A. VCF-style: chr10-43120062-G-A. GRCh37 (hg19) VCF-style: chr10-43615510-G-A.
Other names: c.2608-19G>A (NM_020630.7, NM_001406743.1, NM_001406744.1 and 2 more transcripts); c.2473-19G>A (NM_001406765.1, NM_001406763.1); c.2212-19G>A (NM_001406772.1, NM_001406769.1); c.2170-19G>A (NM_001406773.1, NM_001406771.1); c.1711-19G>A (NM_001406782.1, NM_001406780.1, NM_001406779.1 and 1 more transcripts); c.1576-19G>A (NM_001406787.1); c.1591-19G>A (NM_001406785.1); c.2479-19G>A (NM_001406764.1, NM_001406762.1, NM_001406761.1); and 10 more.
Identifiers: ClinVar variation 1537788 (VCV001537788.10), dbSNP rs773241624, ClinGen allele CA040042.